The following is an entry in ClinVar:

ClinVar aggregate classification (germline): Uncertain significance (1 of 4 stars; one submission).

Conditions:
Dyskeratosis congenita, autosomal recessive 6 (DKCB6). Identifiers: MedGen C4225356, MONDO:0014600, OMIM 616353.

Allele frequency attached by ClinVar (database versions not stated): gnomAD exomes below 0.00001.
gnomAD v4.1: 1 of 1,488,160 alleles (0.000067%); highest among the groups gnomAD compares: Non-Finnish European, 0.000091%; no homozygotes.

Submission:

Baylor Genetics
Classification: Uncertain significance for Dyskeratosis congenita, autosomal recessive 6. Last evaluated: 2018-08-29. Review status: criteria provided, single submitter. Criteria: ACMG Guidelines, 2015. Collection method: clinical testing. Allele origin: paternal. Affected: yes.
Comment: This variant was determined to be of uncertain significance according to ACMG Guidelines, 2015 [PMID:25741868].

NM_002582.4(PARN):c.1285G>A (p.Asp429Asn)

Gene: PARN (poly(A)-specific ribonuclease; minus strand). Cytogenetic location: 16p13.12.
Variant type: single nucleotide variant.
Coding change: c.1285G>A on transcript NM_002582.4 (MANE Select); coding-DNA position 1285, G replaced by A.
Protein change: p.Asp429Asn; replaces aspartic acid 429 with asparagine.
Molecular consequence: missense variant.
Genome position (GRCh38, 1-based): chr16:14,555,687, C>T on the plus strand (G>A on the coding strand, the complement: PARN is on the minus strand). VCF-style: chr16-14555687-C-T. GRCh37 (hg19) VCF-style: chr16-14649544-C-T.
Other names: c.1102G>A, p.Asp368Asn (NM_001134477.3); c.1147G>A, p.Asp383Asn (NM_001242992.2); short protein forms D383N, D429N, D368N.
Identifiers: ClinVar variation 1033519 (VCV001033519.1), dbSNP rs1967639910, ClinGen allele CA394812960.